The following is an entry in ClinVar:

NM_021870.3(FGG):c.709T>C (p.Tyr237His)

Gene: FGG (fibrinogen gamma chain; minus strand). Cytogenetic location: 4q32.1.
Variant type: single nucleotide variant.
Coding change: c.709T>C on transcript NM_021870.3 (MANE Select); coding-DNA position 709, T replaced by C.
Protein change: p.Tyr237His; replaces tyrosine 237 with histidine.
Molecular consequence: missense variant.
Genome position (GRCh38, 1-based): chr4:154,608,608, A>G on the plus strand (T>C on the coding strand, the complement: FGG is on the minus strand). VCF-style: chr4-154608608-A-G. GRCh37 (hg19) VCF-style: chr4-155529760-A-G.
Other names: p.Tyr237His; c.709T>C, p.Tyr237His (NM_000509.6); short protein forms Y237H.
Identifiers: ClinVar variation 1676732 (VCV001676732.7), dbSNP rs762488338, ClinGen allele CA3115562.

ClinVar aggregate classification (germline): Conflicting classifications of pathogenicity. Review status: criteria provided, conflicting classifications (1 of 4 stars). 6 submissions from 6 submitters: Likely pathogenic (2); Uncertain significance (4). Last evaluated 2026-08-06.

Conditions:
Familial dysfibrinogenemia. Also called: Dysfibrinogenemia, congenital. Identifiers: Orphanet 335, Orphanet 98881, MedGen C0272350, MONDO:0014452, OMIM 616004.
Congenital afibrinogenemia. Identifiers: Orphanet 335, Orphanet 98880, MedGen C2584774, MONDO:0008737, OMIM 202400.

Allele frequency attached by ClinVar (database versions not stated): gnomAD exomes 0.00004 and 0.00006; TOPMed 0.00004; ExAC 0.00005; gnomAD 0.00005.
gnomAD v4.1: 77 of 1,611,200 alleles (0.0048%); highest among the groups gnomAD compares: Middle Eastern, 0.033%; no homozygotes.

Submissions (6):

OLLIN Analises Genomicas, OLLIN
Classification: Uncertain significance for Congenital afibrinogenemia. Last evaluated: 2026-08-06. Review status: criteria provided, single submitter. Criteria: ACMG Guidelines 2015 PMID 25741868. Collection method: clinical testing. Allele origin: germline.
Comment: This missense variant, located in exon 7 (of 9), has been reported in ClinVar (accession VCV001676732.5) and in gnomAD with an allele frequency of 0.0048%. However, to our knowledge, it has not been reported in the scientific literature. In silico analysis predicts that this variant has a deleterious effect. According to the currently available evidence, this variant has been classified as uncertain significance (PM2_P, PP3_S).

Mayo Clinic Laboratories, Mayo Clinic
Classification: Likely pathogenic. Last evaluated: 2025-07-16. Review status: criteria provided, single submitter. Criteria: ACMG Guidelines, 2015. Collection method: clinical testing. Allele origin: germline. Observed: 3 variant alleles.
Comment: PP3_strong, PM2_supporting, PS3_moderate, PS4_moderate

First Genomix Gene Laboratory, Genetic Diagnostics Department
Classification: Likely pathogenic for Congenital afibrinogenemia. Last evaluated: 2025-01-16. Review status: criteria provided, single submitter. Criteria: ACMG Guidelines, 2015. Collection method: clinical testing. Allele origin: germline. Inheritance: Autosomal recessive inheritance. Affected: no. Observed: 1 variant allele.

Blueprint Genetics
Classification: Uncertain significance. Last evaluated: 2024-11-20. Review status: criteria provided, single submitter. Criteria: ACMG Guidelines, 2015. Collection method: clinical testing. Allele origin: germline.

Department of Pathology and Laboratory Medicine, Sinai Health System
Classification: Uncertain significance for Congenital afibrinogenemia. Last evaluated: 2023-01-23. Review status: criteria provided, single submitter. Criteria: ACMG Guidelines, 2015. Collection method: research. Allele origin: germline.

ISTH-SSC Genomics in Thrombosis and Hemostasis, KU Leuven, Center for Molecular and Vascular Biology
Classification: Uncertain significance for Familial dysfibrinogenemia. Review status: criteria provided, single submitter. Criteria: ACMG Guidelines, 2015. Collection method: clinical testing. Allele origin: unknown. Affected: yes.
Comment: Submitted to GoldVariant by Kathleen Freson, Center for Molecular and Vascular Biology, Leuven, Belgium

Literature cited by the submitters: PubMed 24352576 (cited by Mayo Clinic Laboratories, Mayo Clinic); PubMed 24916373 (cited by Mayo Clinic Laboratories, Mayo Clinic); PubMed 36964972 (cited by Mayo Clinic Laboratories, Mayo Clinic); PubMed 34355501 (cited by ISTH-SSC Genomics in Thrombosis and Hemostasis, KU Leuven, Center for Molecular and Vascular Biology).